The following is an entry in ClinVar:

ClinVar aggregate classification (germline): Pathogenic (1 of 4 stars; one submission).

Submission:

Labcorp Genetics (formerly Invitae), Labcorp
Classification: Pathogenic. Last evaluated: 2023-10-22. Review status: criteria provided, single submitter. Criteria: Invitae Variant Classification Sherloc (09022015). Collection method: clinical testing. Allele origin: germline.
Comment: This sequence change creates a premature translational stop signal (p.Ser1154Phefs*19) in the ERCC6 gene. It is expected to result in an absent or disrupted protein product. Loss-of-function variants in ERCC6 are known to be pathogenic (PMID: 18628313, 29572252). This variant is not present in population databases (gnomAD no frequency). This variant has not been reported in the literature in individuals affected with ERCC6-related conditions. For these reasons, this variant has been classified as Pathogenic.

Literature cited by the submitters: PubMed 18628313; PubMed 29572252.

NM_000124.4(ERCC6):c.3460dup (p.Ser1154fs)

Gene: ERCC6 (ERCC excision repair 6, chromatin remodeling factor; minus strand). Cytogenetic location: 10q11.23.
Variant type: Duplication.
Coding change: c.3460dup on transcript NM_000124.4 (MANE Select); coding-DNA position 3460, one base duplicated (T; older notation c.3460dupT).
Protein change: p.Ser1154fs; shifts the reading frame from serine 1154.
Molecular consequence: frameshift variant.
Genome position (GRCh38, 1-based): chr10:49,470,500, A duplicated on the plus strand (T on the coding strand, the reverse complement: ERCC6 is on the minus strand); the first of 3 consecutive A bases (chr10:49,470,500-49,470,502); duplicating any one gives the same sequence. VCF-style (leftmost placement, unchanged base first): chr10-49470499-G-GA. GRCh37 (hg19) VCF-style: chr10-50678545-G-GA.
Other names: c.3460dup, p.Ser1154fs (NM_001346440.2); short protein forms S1154fs.
Identifiers: ClinVar variation 2771005 (VCV002771005.3), dbSNP rs2495971978, ClinGen allele CA2697558381.
Genomic context (GRCh38, chr10:49,470,499, plus strand): 5'-ATTTGTTTATTCTCCCAAAAAGCTTCTGTTTGAGCCTGGCTGGGTCTTTCTCTTTTGTAA[G>GA]AAAGACCTAACTTTTCATCAATGCTTTCATCACCAGATGGCATAGAAGTTTTGCCTGTTC-3'